The following is an entry in ClinVar:

NM_032603.5(LOXL3):c.1100G>A (p.Gly367Asp)

Gene: LOXL3 (lysyl oxidase like 3; minus strand). Cytogenetic location: 2p13.1.
Variant type: single nucleotide variant.
Coding change: c.1100G>A on transcript NM_032603.5 (MANE Select); coding-DNA position 1100, G replaced by A.
Protein change: p.Gly367Asp; replaces glycine 367 with aspartic acid.
Molecular consequence: missense variant.
Genome position (GRCh38, 1-based): chr2:74,536,144, C>T on the plus strand (G>A on the coding strand, the complement: LOXL3 is on the minus strand). VCF-style: chr2-74536144-C-T. GRCh37 (hg19) VCF-style: chr2-74763271-C-T.
Other names: c.665G>A, p.Gly222Asp (NM_001289164.3); c.17G>A, p.Gly6Asp (NM_001289165.2); short protein forms G222D, G367D, G6D.
Identifiers: ClinVar variation 1356281 (VCV001356281.7), dbSNP rs1676007394, ClinGen allele CA347388893.

ClinVar aggregate classification (germline): Uncertain significance (1 of 4 stars; one submission).

Allele frequency attached by ClinVar (database versions not stated): gnomAD 0.00001; TOPMed 0.00001; gnomAD exomes 0.00003.

Submission:

Labcorp Genetics (formerly Invitae), Labcorp
Classification: Uncertain significance. Last evaluated: 2021-06-06. Review status: criteria provided, single submitter. Criteria: Invitae Variant Classification Sherloc (09022015). Collection method: clinical testing. Allele origin: germline.
Comment: In summary, the available evidence is currently insufficient to determine the role of this variant in disease. Therefore, it has been classified as a Variant of Uncertain Significance. Algorithms developed to predict the effect of missense changes on protein structure and function (SIFT, PolyPhen-2, Align-GVGD) all suggest that this variant is likely to be disruptive, but these predictions have not been confirmed by published functional studies and their clinical significance is uncertain. This sequence change replaces glycine with aspartic acid at codon 367 of the LOXL3 protein (p.Gly367Asp). The glycine residue is highly conserved and there is a moderate physicochemical difference between glycine and aspartic acid. This variant is not present in population databases (ExAC no frequency). This variant has not been reported in the literature in individuals with LOXL3-related conditions.